The following is an entry in ClinVar:

ClinVar aggregate classification (germline): Uncertain significance. Review status: criteria provided, single submitter (1 of 4 stars). 2 submissions from 2 submitters: Uncertain significance (1). 1 of the submissions does not count toward it. Last evaluated 2023-05-31.

gnomAD v4.1: 4 of 1,613,436 alleles (0.00025%); highest among the groups gnomAD compares: South Asian, 0.0033%; no homozygotes.

Submissions (2):

Labcorp Genetics (formerly Invitae), Labcorp
Classification: Uncertain significance. Last evaluated: 2023-05-31. Review status: criteria provided, single submitter. Criteria: Invitae Variant Classification Sherloc (09022015). Collection method: clinical testing. Allele origin: germline.
Comment: In summary, the available evidence is currently insufficient to determine the role of this variant in disease. Therefore, it has been classified as a Variant of Uncertain Significance. An algorithm developed to predict the effect of missense changes on protein structure and function (PolyPhen-2) suggests that this variant is likely to be tolerated. ClinVar contains an entry for this variant (Variation ID: 1050321). This variant has not been reported in the literature in individuals affected with PPP2R5D-related conditions. This variant is not present in population databases (gnomAD no frequency). This sequence change replaces arginine, which is basic and polar, with glutamine, which is neutral and polar, at codon 523 of the PPP2R5D protein (p.Arg523Gln).

Department of Pathology and Laboratory Medicine, Sinai Health System
Classification: Uncertain significance. Review status: no assertion criteria provided. Collection method: clinical testing. Allele origin: unknown. Affected: yes. Study: The Canadian Open Genetics Repository (COGR). Not counted in ClinVar's aggregate classification.
Comment: The PPP2R5D p.Arg491Gln variant was not identified in the literature nor was it identified in dbSNP, ClinVar or in the following control databases: the 1000 Genomes Project, the NHLBI GO Exome Sequencing Project, or the Genome Aggregation Database (March 6, 2019, v2.1.1). The p.Arg491 residue is conserved in mammals but not in more distantly related organisms however four out of five computational analyses (PolyPhen-2, SIFT, AlignGVGD, BLOSUM, MutationTaster) do not suggest a high likelihood of impact to the protein; this information is not predictive enough to rule out pathogenicity. The variant occurs outside of the splicing consensus sequence and three of four in silico or computational prediction software programs (SpliceSiteFinder, MaxEntScan, NNSPLICE, GeneSplicer) do not predict a greater than 10% difference in splicing; this is not very predictive of pathogenicity. In summary, based on the above information the clinical significance of this variant cannot be determined with certainty at this time. This variant is classified as a variant of uncertain significance.

NM_006245.4(PPP2R5D):c.1568G>A (p.Arg523Gln)

Gene: PPP2R5D (protein phosphatase 2 regulatory subunit B'delta; plus strand). Cytogenetic location: 6p21.1.
Variant type: single nucleotide variant.
Coding change: c.1568G>A on transcript NM_006245.4 (MANE Select); coding-DNA position 1568, G replaced by A.
Protein change: p.Arg523Gln; replaces arginine 523 with glutamine.
Molecular consequence: missense variant.
Genome position (GRCh38, 1-based): chr6:43,010,894, G>A. VCF-style: chr6-43010894-G-A. GRCh37 (hg19) VCF-style: chr6-42978632-G-A.
Other names: c.1115G>A, p.Arg372Gln (NM_001270476.2); c.1472G>A, p.Arg491Gln (NM_180976.3); c.1250G>A, p.Arg417Gln (NM_180977.3); short protein forms R372Q, R417Q, R491Q, R523Q.
Identifiers: ClinVar variation 1050321 (VCV001050321.9), dbSNP rs1762321025, ClinGen allele CA364142303.